The following is an entry in ClinVar:

NM_000216.4(ANOS1):c.736G>A (p.Glu246Lys)

Gene: ANOS1 (anosmin 1; minus strand). Cytogenetic location: Xp22.31.
Variant type: single nucleotide variant.
Coding change: c.736G>A on transcript NM_000216.4 (MANE Select); coding-DNA position 736, G replaced by A.
Protein change: p.Glu246Lys; replaces glutamic acid 246 with lysine.
Molecular consequence: missense variant.
Genome position (GRCh38, 1-based): chrX:8,585,387, C>T on the plus strand (G>A on the coding strand, the complement: ANOS1 is on the minus strand). VCF-style: chrX-8585387-C-T. GRCh37 (hg19) VCF-style: chrX-8553428-C-T.
Other names: c.736G>A, p.Glu246Lys (NM_001440775.1); short protein forms E246K.
Identifiers: ClinVar variation 4529842 (VCV004529842.1).

ClinVar aggregate classification (germline): Uncertain significance (1 of 4 stars; one submission).

gnomAD v4.1: 7 of 1,211,199 alleles (0.00058%); highest among the groups gnomAD compares: South Asian, 0.0018%; no homozygotes.

Submission:

GeneDx
Classification: Uncertain significance. Last evaluated: 2025-05-11. Review status: criteria provided, single submitter. Criteria: GeneDx Variant Classification Process June 2021. Collection method: clinical testing. Allele origin: germline. Affected: yes.
Comment: In silico analysis suggests that this missense variant does not alter protein structure/function; Has not been previously published as pathogenic or benign to our knowledge